The following is an entry in ClinVar:

ClinVar aggregate classification (germline): Uncertain significance (1 of 4 stars; one submission).

Allele frequency attached by ClinVar (database versions not stated): gnomAD 0.00001; gnomAD exomes 0.00001; ExAC 0.00002; 1000 Genomes Project 30x 0.00016; 1000 Genomes Project 0.00020.
gnomAD v4.1: 11 of 1,612,112 alleles (0.00068%); highest among the groups gnomAD compares: East Asian, 0.0022%; no homozygotes.

Submission:

Labcorp Genetics (formerly Invitae), Labcorp
Classification: Uncertain significance. Last evaluated: 2024-11-05. Review status: criteria provided, single submitter. Criteria: Invitae Variant Classification Sherloc (09022015). Collection method: clinical testing. Allele origin: germline.
Comment: This sequence change falls in intron 37 of the MPDZ gene. It does not directly change the encoded amino acid sequence of the MPDZ protein. It affects a nucleotide within the consensus splice site. The frequency data for this variant in the population databases is considered unreliable, as metrics indicate poor data quality at this position in the gnomAD database. This variant has not been reported in the literature in individuals affected with MPDZ-related conditions. ClinVar contains an entry for this variant (Variation ID: 2180656). Variants that disrupt the consensus splice site are a relatively common cause of aberrant splicing (PMID: 17576681, 9536098). Algorithms developed to predict the effect of sequence changes on RNA splicing suggest that this variant is not likely to affect RNA splicing. In summary, the available evidence is currently insufficient to determine the role of this variant in disease. Therefore, it has been classified as a Variant of Uncertain Significance.

Literature cited by the submitters: PubMed 17576681; PubMed 9536098.

NM_001378778.1(MPDZ):c.5038-3C>T

Gene: MPDZ (multiple PDZ domain crumbs cell polarity complex component; minus strand). Cytogenetic location: 9p23.
Variant type: single nucleotide variant.
Coding change: c.5038-3C>T on transcript NM_001378778.1 (MANE Select); 3 bases into the intron before coding-DNA position 5038, C replaced by T.
Molecular consequence: intron variant.
Genome position (GRCh38, 1-based): chr9:13,121,935, G>A on the plus strand (C>T on the coding strand, the complement: MPDZ is on the minus strand). VCF-style: chr9-13121935-G-A. GRCh37 (hg19) VCF-style: chr9-13121934-G-A.
Other names: c.4828-3C>T (NM_001375425.1, NM_001375420.1, NM_001375423.1 and 4 more transcripts); c.4939-3C>T (NM_001375419.1, NM_001375416.1, NM_001375418.1 and 3 more transcripts); c.5038-3C>T (NM_001330637.2, NM_003829.5); c.4630-3C>T (NM_001375427.1); c.5137-3C>T (NM_001375413.1).
Identifiers: ClinVar variation 2180656 (VCV002180656.3), dbSNP rs566392425, ClinGen allele CA4986447.